The following is an entry in ClinVar:

ClinVar aggregate classification (germline): Pathogenic (1 of 4 stars; one submission).

Submission:

Labcorp Genetics (formerly Invitae), Labcorp
Classification: Pathogenic. Last evaluated: 2024-02-05. Review status: criteria provided, single submitter. Criteria: Invitae Variant Classification Sherloc (09022015). Collection method: clinical testing. Allele origin: germline.
Comment: This sequence change replaces serine, which is neutral and polar, with asparagine, which is neutral and polar, at codon 1806 of the ABCA4 protein (p.Ser1806Asn). This variant is not present in population databases (gnomAD no frequency). This missense change has been observed in individual(s) with Stargardt disease (PMID: 28365912; Invitae). ClinVar contains an entry for this variant (Variation ID: 1008599). Advanced modeling of protein sequence and biophysical properties (such as structural, functional, and spatial information, amino acid conservation, physicochemical variation, residue mobility, and thermodynamic stability) performed at Invitae indicates that this missense variant is expected to disrupt ABCA4 protein function with a positive predictive value of 95%. For these reasons, this variant has been classified as Pathogenic.

Literature cited by the submitters: PubMed 28365912.

NM_000350.3(ABCA4):c.5417G>A (p.Ser1806Asn)

Gene: ABCA4 (ATP binding cassette subfamily A member 4; minus strand). Cytogenetic location: 1p22.1.
Variant type: single nucleotide variant.
Coding change: c.5417G>A on transcript NM_000350.3 (MANE Select); coding-DNA position 5417, G replaced by A.
Protein change: p.Ser1806Asn; replaces serine 1806 with asparagine.
Molecular consequence: missense variant.
Genome position (GRCh38, 1-based): chr1:94,014,586, C>T on the plus strand (G>A on the coding strand, the complement: ABCA4 is on the minus strand). VCF-style: chr1-94014586-C-T. GRCh37 (hg19) VCF-style: chr1-94480142-C-T.
Other names: c.5195G>A, p.Ser1732Asn (NM_001425324.1); short protein forms S1806N, S1732N.
Identifiers: ClinVar variation 1008599 (VCV001008599.8), dbSNP rs1659671020, ClinGen allele CA341281319.
Genomic context (GRCh38, chr1:94,014,586, plus strand): 5'-AAGAAAGTTATGCTCACCCGGTTATTCTCAAATAATTCCAAGATGAAGGTAATAGCACTG[C>T]TGTTGATGCCGATGAACAGATTAGCACAAGATAAAGCCACATAGGCTGTGCTGGGGACAT-3'
Protein context (NP_000341.2, residues 1796-1816): SCANLFIGIN[Ser1806Asn]SAITFILELF